The following is an entry in ClinVar:

NM_002471.4(MYH6):c.3472G>A (p.Ala1158Thr)

Gene: MYH6 (myosin heavy chain 6; minus strand). Cytogenetic location: 14q11.2.
Variant type: single nucleotide variant.
Coding change: c.3472G>A on transcript NM_002471.4 (MANE Select); coding-DNA position 3472, G replaced by A.
Protein change: p.Ala1158Thr; replaces alanine 1158 with threonine.
Molecular consequence: missense variant.
Genome position (GRCh38, 1-based): chr14:23,390,317, C>T on the plus strand (G>A on the coding strand, the complement: MYH6 is on the minus strand). VCF-style: chr14-23390317-C-T. GRCh37 (hg19) VCF-style: chr14-23859526-C-T.
Other names: short protein forms A1158T.
Identifiers: ClinVar variation 4614610 (VCV004614610.1).

ClinVar aggregate classification (germline): Uncertain significance (1 of 4 stars; one submission).

Conditions:
Cardiovascular phenotype. Identifiers: MedGen CN230736.

Submission:

Ambry Genetics
Classification: Uncertain significance for Cardiovascular phenotype. Last evaluated: 2025-10-11. Review status: criteria provided, single submitter. Criteria: Ambry Variant Classification Scheme 2023. Collection method: clinical testing. Allele origin: germline.
Comment: The p.A1158T variant (also known as c.3472G>A), located in coding exon 24 of the MYH6 gene, results from a G to A substitution at nucleotide position 3472. The alanine at codon 1158 is replaced by threonine, an amino acid with similar properties. This amino acid position is conserved. In addition, the in silico prediction for this alteration is inconclusive. Based on the available evidence, the clinical significance of this variant remains unclear.